The following is an entry in ClinVar:

NM_000030.3(AGXT):c.67C>T (p.Gln23Ter)

Gene: AGXT (alanine--glyoxylate aminotransferase; plus strand). Cytogenetic location: 2q37.3.
Variant type: single nucleotide variant.
Coding change: c.67C>T on transcript NM_000030.3 (MANE Select); coding-DNA position 67, C replaced by T.
Protein change: p.Gln23Ter; replaces glutamine 23 with a stop codon.
Molecular consequence: nonsense.
Genome position (GRCh38, 1-based): chr2:240,868,932, C>T. VCF-style: chr2-240868932-C-T. GRCh37 (hg19) VCF-style: chr2-241808349-C-T.
Other names: short protein forms Q23*.
Identifiers: ClinVar variation 654767 (VCV000654767.1), dbSNP rs1575707182, ClinGen allele CA351312936.
Genomic context (GRCh38, chr2:240,868,932, plus strand): 5'-TCTCACAAGCTGCTGGTGACCCCCCCCAAGGCCCTGCTCAAGCCCCTCTCCATCCCCAAC[C>T]AGCTCCTGCTGGGGCCTGGTCCTTCCAACCTGCCTCCTCGCATCATGGCAGCCGGGGGGC-3'

ClinVar aggregate classification (germline): Pathogenic (1 of 4 stars; one submission).

Submission:

Labcorp Genetics (formerly Invitae), Labcorp
Classification: Pathogenic. Last evaluated: 2018-12-21. Review status: criteria provided, single submitter. Criteria: Invitae Variant Classification Sherloc (09022015). Collection method: clinical testing. Allele origin: germline.
Comment: This sequence change creates a premature translational stop signal (p.Gln23*) in the AGXT gene. It is expected to result in an absent or disrupted protein product. This variant is not present in population databases (ExAC no frequency). This variant has not been reported in the literature in individuals with AGXT-related conditions. Loss-of-function variants in AGXT are known to be pathogenic (PMID: 19479957). For these reasons, this variant has been classified as Pathogenic.